The following is an entry in ClinVar:

NM_000132.4(F8):c.5719A>C (p.Ser1907Arg)

Gene: F8 (coagulation factor VIII; minus strand). Cytogenetic location: Xq28.
Variant type: single nucleotide variant.
Coding change: c.5719A>C on transcript NM_000132.4 (MANE Select); coding-DNA position 5719, A replaced by C.
Protein change: p.Ser1907Arg; replaces serine 1907 with arginine.
Molecular consequence: missense variant.
Genome position (GRCh38, 1-based): chrX:154,904,392, T>G on the plus strand (A>C on the coding strand, the complement: F8 is on the minus strand). VCF-style: chrX-154904392-T-G. GRCh37 (hg19) VCF-style: chrX-154132667-T-G.
Other names: short protein forms S1907R.
Identifiers: ClinVar variation 4857322 (VCV004857322.1).

ClinVar aggregate classification (germline): Likely pathogenic (1 of 4 stars; one submission).

Conditions:
Factor VIII deficiency. Identifiers: MedGen C3494187, OMIM 134500.

Submission:

North West Genomic Laboratory Hub, Manchester University NHS Foundation Trust
Classification: Likely pathogenic for Factor VIII deficiency. Last evaluated: 2025-02-19. Review status: criteria provided, single submitter. Criteria: ACGS Best Practice Guidelines for Variant Classification in Rare Disease 2024. Collection method: clinical testing. Allele origin: germline. Affected: yes.
Comment: PM5_Mod PS1_Mod PP3_Supp PM2_Mod